The following is an entry in ClinVar:

NM_001277115.2(DNAH11):c.6834+5A>G

Gene: DNAH11 (dynein axonemal heavy chain 11; plus strand). Cytogenetic location: 7p15.3.
Variant type: single nucleotide variant.
Coding change: c.6834+5A>G on transcript NM_001277115.2 (MANE Select); 5 bases into the intron after coding-DNA position 6834, A replaced by G.
Molecular consequence: intron variant.
Genome position (GRCh38, 1-based): chr7:21,710,708, A>G. VCF-style: chr7-21710708-A-G. GRCh37 (hg19) VCF-style: chr7-21750326-A-G.
Identifiers: ClinVar variation 1356485 (VCV001356485.3), dbSNP rs920634147, ClinGen allele CA155081648.
Genomic context (GRCh38, chr7:21,710,708, plus strand): 5'-GCGATATTGACCCCATGTGGATTGAATCACTGAATACTGTAATGGATGATAACAAGGTGA[A>G]TAAAACCTCTGTTCTCAACCTTAAATATAACATCCTGAGTGTATTAAGAGTTCGATTCAC-3'

ClinVar aggregate classification (germline): Uncertain significance (1 of 4 stars; one submission).

Conditions:
Primary ciliary dyskinesia. Also called: Ciliary dyskinesia. Identifiers: Orphanet 244, MedGen C0008780, MONDO:0016575, HP:0012265.

Allele frequency attached by ClinVar (database versions not stated): gnomAD 0.00001; TOPMed 0.00001; gnomAD exomes 0.00003.
gnomAD v4.1: 38 of 1,608,992 alleles (0.0024%); highest among the groups gnomAD compares: African/African-American, 0.004%; no homozygotes.

Submission:

Labcorp Genetics (formerly Invitae), Labcorp
Classification: Uncertain significance for Primary ciliary dyskinesia. Last evaluated: 2021-11-04. Review status: criteria provided, single submitter. Criteria: Invitae Variant Classification Sherloc (09022015). Collection method: clinical testing. Allele origin: germline.
Comment: This sequence change falls in intron 41 of the DNAH11 gene. It does not directly change the encoded amino acid sequence of the DNAH11 protein. It affects a nucleotide within the consensus splice site. This variant is not present in population databases (gnomAD no frequency). This variant has not been reported in the literature in individuals affected with DNAH11-related conditions. Variants that disrupt the consensus splice site are a relatively common cause of aberrant splicing (PMID: 17576681, 9536098). Algorithms developed to predict the effect of sequence changes on RNA splicing suggest that this variant may create or strengthen a splice site. In summary, the available evidence is currently insufficient to determine the role of this variant in disease. Therefore, it has been classified as a Variant of Uncertain Significance.

Literature cited by the submitters: PubMed 17576681; PubMed 9536098.